The following is an entry in ClinVar:

Conditions:
Breast-ovarian cancer, familial, susceptibility to, 1 (BROVCA1). Also called: BRCA1 Hereditary Breast and Ovarian Cancer; OVARIAN CANCER, SUSCEPTIBILITY TO. Identifiers: Orphanet 145, MedGen C2676676, MONDO:0011450, OMIM 604370. Disease mechanism: loss of function.

Submission:

Brotman Baty Institute, University of Washington
No classification provided (evidence only). Condition: Breast-ovarian cancer, familial 1. Review status: no classification provided. Collection method: in vitro. Allele origin: not applicable. Functional consequence: functionally_normal.
ClinVar note: "not provided" was previously submitted as the classification for the variant. However, the classification appeared to be based only on an observation of functional data so it was converted to no classification on 2025-07-30.

NM_007294.4(BRCA1):c.5184G>C (p.Met1728Ile)

Gene: BRCA1 (BRCA1 DNA repair associated; minus strand). Cytogenetic location: 17q21.31.
Variant type: single nucleotide variant.
Coding change: c.5184G>C on transcript NM_007294.4 (MANE Select); coding-DNA position 5184, G replaced by C.
Protein change: p.Met1728Ile; replaces methionine 1728 with isoleucine.
Molecular consequence: missense variant. On other transcripts: non-coding transcript variant (1).
Genome position (GRCh38, 1-based): chr17:43,063,342, C>G on the plus strand (G>C on the coding strand, the complement: BRCA1 is on the minus strand). VCF-style: chr17-43063342-C-G. GRCh37 (hg19) VCF-style: chr17-41215359-C-G.
Other names: c.1794G>C, p.Met598Ile (NM_001408412.1, NM_001408413.1, NM_001408414.1 and 2 more transcripts); c.1752G>C, p.Met584Ile (NM_001408428.1, NM_001408429.1, NM_001408430.1 and 4 more transcripts); c.1749G>C, p.Met583Ile (NM_001408432.1, NM_001408433.1, NM_001408434.1 and 10 more transcripts); c.1746G>C, p.Met582Ile (NM_001408447.1, NM_001408448.1, NM_001408450.1 and 2 more transcripts); c.1740G>C, p.Met580Ile (NM_001408451.1); c.1734G>C, p.Met578Ile (NM_001408452.1, NM_001408453.1, NM_001408454.1 and 3 more transcripts); c.1731G>C, p.Met577Ile (NM_001408467.1, NM_001408458.1, NM_001408459.1 and 7 more transcripts); c.1728G>C, p.Met576Ile (NM_001408468.1, NM_001408469.1, NM_001408470.1); and 72 more; short protein forms M1681I, M1749I, M624I, M1728I, M1615I, M1617I, M1639I, M1656I.
Identifiers: ClinVar variation 868117 (VCV000868117.3), dbSNP rs2051857855, ClinGen allele CA10591173.